The following is an entry in ClinVar:

NM_000166.6(GJB1):c.467T>G (p.Leu156Arg)

Gene: GJB1 (gap junction protein beta 1; plus strand). Cytogenetic location: Xq13.1.
Variant type: single nucleotide variant.
Coding change: c.467T>G on transcript NM_000166.6 (MANE Select); coding-DNA position 467, T replaced by G.
Protein change: p.Leu156Arg; replaces leucine 156 with arginine.
Molecular consequence: missense variant.
Genome position (GRCh38, 1-based): chrX:71,224,174, T>G. VCF-style: chrX-71224174-T-G. GRCh37 (hg19) VCF-style: chrX-70444024-T-G.
Other names: c.467T>G, p.Leu156Arg (NM_001097642.3); short protein forms L156R.
Identifiers: ClinVar variation 10437 (VCV000010437.18), dbSNP rs104894818, ClinGen allele CA255245.

ClinVar aggregate classification (germline): Pathogenic/Likely pathogenic. Review status: criteria provided, multiple submitters, no conflicts (2 of 4 stars). 7 submissions from 7 submitters: Pathogenic (4); Likely pathogenic (2). 1 of the submissions does not count toward it. Last evaluated 2025-08-24.

Conditions:
GJB1-related disorder. Also called: GJB1-related disorders; GJB1-related condition.
Inborn genetic diseases. Identifiers: MedGen C0950123, MeSH D030342.
Charcot-Marie-Tooth disease X-linked dominant 1. Also called: Charcot-Marie-Tooth Neuropathy X Type 1; GJB1 Disorders: Charcot-Marie-Tooth Neuropathy (CMT1X) and Central Nervous System Phenotypes; CHARCOT-MARIE-TOOTH NEUROPATHY, X-LINKED, 1; CHARCOT-MARIE-TOOTH PERONEAL MUSCULAR ATROPHY, X-LINKED; HEREDITARY MOTOR AND SENSORY NEUROPATHY, X-LINKED; HMSN, X-LINKED. Identifiers: Orphanet 101075, MedGen C0393808, MONDO:0010549, OMIM 302800.
Charcot-Marie-Tooth disease. Also called: Charcot-Marie-Tooth Neuropathy; Charcot-Marie-Tooth Hereditary Neuropathy. Identifiers: Orphanet 166, MedGen C0007959, MONDO:0015626.
Charcot-Marie-Tooth Neuropathy X. Identifiers: MedGen CN118851.

Submissions (7):

Labcorp Genetics (formerly Invitae), Labcorp
Classification: Pathogenic for Charcot-Marie-Tooth Neuropathy X. Last evaluated: 2025-08-24. Review status: criteria provided, single submitter. Criteria: Invitae Variant Classification Sherloc (09022015). Collection method: clinical testing. Allele origin: germline.
Comment: This sequence change replaces leucine, which is neutral and non-polar, with arginine, which is basic and polar, at codon 156 of the GJB1 protein (p.Leu156Arg). This variant is not present in population databases (gnomAD no frequency). This missense change has been observed in individuals with Charcot-Marie-Tooth disease (PMID: 7477983, 8266101, 9018031, 17353473, 26955336). ClinVar contains an entry for this variant (Variation ID: 10437). Invitae Evidence Modeling of protein sequence and biophysical properties (such as structural, functional, and spatial information, amino acid conservation, physicochemical variation, residue mobility, and thermodynamic stability) has been performed for this missense variant. However, the output from this modeling did not meet the statistical confidence thresholds required to predict the impact of this variant on GJB1 protein function. Experimental studies have shown that this missense change affects GJB1 function (PMID: 15006706). For these reasons, this variant has been classified as Pathogenic.

Ambry Genetics
Classification: Likely pathogenic for Inborn genetic diseases. Last evaluated: 2024-12-26. Review status: criteria provided, single submitter. Criteria: Ambry Variant Classification Scheme 2023. Collection method: clinical testing. Allele origin: germline.
Comment: The c.467T>G (p.L156R) alteration is located in exon 2 (coding exon 1) of the GJB1 gene. This alteration results from a T to G substitution at nucleotide position 467, causing the leucine (L) at amino acid position 156 to be replaced by an arginine (R). This variant was not reported in population-based cohorts in the Genome Aggregation Database (gnomAD). This variant was reported in the hemizygous and heterozygous state in multiple unrelated individuals with features consistent with GJB1-related Charcot-Marie-Tooth disease, type 1 (Bergoffen, 1993; Siskind, 2011; Wu, 2015). This amino acid position is not well conserved in available vertebrate species. In an assay testing GJB1 function, this variant showed a functionally abnormal result (Wang, 2004). This alteration is predicted to be deleterious by in silico analysis. Based on the available evidence, this alteration is classified as likely pathogenic.

Natera, Inc.
Classification: Likely pathogenic for Charcot-Marie-Tooth disease. Last evaluated: 2024-11-06. Review status: criteria provided, single submitter. Criteria: Natera Variant Classification Schema (03/2026). Collection method: clinical testing. Allele origin: germline.
Comment: The c.467T>G variant in GJB1 is a missense variant predicted to cause substitution of leucine to arginine at amino acid 156. This variant is rare in the general population with a frequency below the threshold expected for the associated phenotype(s). Functional studies show that this variant may disrupt protein function (PMID: 15006706). Computational prediction algorithms indicate this variant is likely to affect gene or protein function. Given the available evidence, this variant is classified as Likely Pathogenic.

Athena Diagnostics
Classification: Pathogenic. Last evaluated: 2024-10-25. Review status: criteria provided, single submitter. Criteria: Athena Diagnostics Criteria. Collection method: clinical testing. Allele origin: unknown.
Comment: This variant has not been reported in large, multi-ethnic general populations. This variant has been identified in multiple unrelated individuals with clinical features associated with this gene. Assessment of experimental evidence suggests this variant results in abnormal protein function. (PMID:15006706) The variant is located in a region that is considered important for protein function and/or structure.

GeneDx
Classification: Pathogenic. Last evaluated: 2023-02-27. Review status: criteria provided, single submitter. Criteria: GeneDx Variant Classification Process June 2021. Collection method: clinical testing. Allele origin: germline. Affected: yes.
Comment: Reported in families with X-linked Charcot-Marie-Tooth disease in published literature (Bergoffen et at., 1993; Bone et al., 1995); Published functional studies demonstrate that L156R mutant formed defective junctional channels (Wang et al., 2004); In silico analysis, which includes protein predictors and evolutionary conservation, supports a deleterious effect; Not observed in large population cohorts (gnomAD); Missense variants in this gene are often considered pathogenic (HGMD); This variant is associated with the following publications: (PMID: 15006706, 9361298, 7477983, 26955336, 8266101)

Blueprint Genetics
Classification: Pathogenic for GJB1-related disorders. Last evaluated: 2021-10-13. Review status: criteria provided, single submitter. Criteria: ACMG Guidelines, 2015. Collection method: clinical testing. Allele origin: germline. Affected: yes. Observed: 1 variant allele.

OMIM
Classification: Pathogenic for CHARCOT-MARIE-TOOTH DISEASE, X-LINKED DOMINANT, 1. Last evaluated: 1995-10-01. Review status: no assertion criteria provided. Collection method: literature only. Allele origin: germline. Not counted in ClinVar's aggregate classification.

Literature cited by the submitters: PubMed 7477983 (cited by 3 submitters); PubMed 8266101 (cited by 3 submitters); PubMed 9018031 (cited by Labcorp Genetics (formerly Invitae), Labcorp); PubMed 17353473 (cited by Labcorp Genetics (formerly Invitae), Labcorp and Athena Diagnostics); PubMed 26955336 (cited by 3 submitters); PubMed 15006706 (cited by 4 submitters); PubMed 21692908 (cited by Ambry Genetics and Athena Diagnostics); PubMed 37284795 (cited by Athena Diagnostics); PubMed 30068806 (cited by Athena Diagnostics); PubMed 33014011 (cited by Athena Diagnostics); PubMed 33359733 (cited by Athena Diagnostics).